The following is an entry in ClinVar:

NM_001244008.2(KIF1A):c.3160G>A (p.Val1054Met)

Gene: KIF1A (kinesin family member 1A; minus strand). Cytogenetic location: 2q37.3.
Variant type: single nucleotide variant.
Coding change: c.3160G>A on transcript NM_001244008.2 (MANE Select); coding-DNA position 3160, G replaced by A.
Protein change: p.Val1054Met; replaces valine 1054 with methionine.
Molecular consequence: missense variant.
Genome position (GRCh38, 1-based): chr2:240,746,081, C>T on the plus strand (G>A on the coding strand, the complement: KIF1A is on the minus strand). VCF-style: chr2-240746081-C-T. GRCh37 (hg19) VCF-style: chr2-241685498-C-T.
Other names: p.Val953Met; c.2857G>A (NM_004321.5, NM_004321.7); c.2884G>A, p.Val962Met (NM_001320705.2, NM_001330289.2, NM_001379638.1); c.2959G>A, p.Val987Met (NM_001330290.2, NM_001379634.1, NM_001379635.1 and 1 more transcripts); c.3235G>A, p.Val1079Met (NM_001379631.1); c.3109G>A, p.Val1037Met (NM_001379632.1); c.3133G>A, p.Val1045Met (NM_001379633.1, NM_001379642.1, NM_001379645.1); c.2857G>A, p.Val953Met (NM_001379636.1, NM_001379639.1, NM_001379640.1 and 6 more transcripts); and 1 more; short protein forms V1054M, V953M, V962M, V987M, V1037M, V1045M, V1079M, V978M.
Identifiers: ClinVar variation 391694 (VCV000391694.27), dbSNP rs371233697, ClinGen allele CA2207892.

ClinVar aggregate classification (germline): Conflicting classifications of pathogenicity. Review status: criteria provided, conflicting classifications (1 of 4 stars). 5 submissions from 5 submitters: Uncertain significance (3); Likely benign (2). Last evaluated 2026-01-12.

Conditions:
Inborn genetic diseases. Identifiers: MedGen C0950123, MeSH D030342.
Neuropathy, hereditary sensory, type 2C. Also called: Hereditary sensory and autonomic neuropathy type IIC; KIF1A-Related HSAN2 (HSAN2C). Identifiers: Orphanet 970, MedGen C3280168, MONDO:0013634, OMIM 614213.
Intellectual disability, autosomal dominant 9 (NESCAVS). Also called: NESCAV SYNDROME; KIF1A-Related Neurodevelopmental Disorder. Identifiers: Orphanet 662367, MedGen C5393830, MONDO:0013656, OMIM 614255.
Hereditary spastic paraplegia 30. Identifiers: Orphanet 101010, MedGen C5235139, MONDO:0012476.

Allele frequency attached by ClinVar (database versions not stated): gnomAD 0.00011; ESP Exome Variant Server 0.00016; TOPMed 0.00016.
gnomAD v4.1: 279 of 1,598,492 alleles (0.017%); highest among the groups gnomAD compares: Non-Finnish European, 0.022%; no homozygotes.

Submissions (5):

Labcorp Genetics (formerly Invitae), Labcorp
Classification: Likely benign for Hereditary spastic paraplegia 30; Neuropathy, hereditary sensory, type 2C; Intellectual disability, autosomal dominant 9. Last evaluated: 2026-01-12. Review status: criteria provided, single submitter. Criteria: Invitae Variant Classification Sherloc (09022015). Collection method: clinical testing. Allele origin: germline.

CeGaT Center for Human Genetics Tuebingen
Classification: Likely benign. Last evaluated: 2025-01-01. Review status: criteria provided, single submitter. Criteria: CeGaT Center For Human Genetics Tuebingen Variant Classification Criteria Version 2. Collection method: clinical testing. Allele origin: germline. Affected: yes. Observed: 1 variant allele.
Comment: KIF1A: BP4

Mayo Clinic Laboratories, Mayo Clinic
Classification: Uncertain significance. Last evaluated: 2023-10-16. Review status: criteria provided, single submitter. Criteria: ACMG Guidelines, 2015. Collection method: clinical testing. Allele origin: germline. Observed: 1 variant allele.
Comment: BP4

Ambry Genetics
Classification: Uncertain significance for Inborn genetic diseases. Last evaluated: 2021-09-28. Review status: criteria provided, single submitter. Criteria: Ambry Variant Classification Scheme 2023. Collection method: clinical testing. Allele origin: germline.

GeneDx
Classification: Uncertain significance. Last evaluated: 2020-01-22. Review status: criteria provided, single submitter. Criteria: GeneDx Variant Classification Process June 2021. Collection method: clinical testing. Allele origin: germline. Affected: yes.
Comment: In silico analysis, which includes protein predictors and evolutionary conservation, supports that this variant does not alter protein structure/function; Has not been previously published as pathogenic or benign to our knowledge